The following is an entry in ClinVar:

ClinVar aggregate classification (germline): Uncertain significance (1 of 4 stars; one submission).

Conditions:
Familial cancer of breast. Also called: Hereditary breast cancer; hereditary breast carcinoma; BREAST CANCER, FAMILIAL. Identifiers: Orphanet 227535, MedGen C0346153, MONDO:0016419, OMIM 114480. Disease mechanism: loss of function.

Submission:

Labcorp Genetics (formerly Invitae), Labcorp
Classification: Uncertain significance for Familial cancer of breast. Last evaluated: 2024-10-11. Review status: criteria provided, single submitter. Criteria: Invitae Variant Classification Sherloc (09022015). Collection method: clinical testing. Allele origin: germline.
Comment: This sequence change replaces arginine, which is basic and polar, with isoleucine, which is neutral and non-polar, at codon 147 of the PALB2 protein (p.Arg147Ile). This variant is not present in population databases (gnomAD no frequency). This variant has not been reported in the literature in individuals affected with PALB2-related conditions. An algorithm developed to predict the effect of missense changes on protein structure and function (PolyPhen-2) suggests that this variant is likely to be tolerated. In summary, the available evidence is currently insufficient to determine the role of this variant in disease. Therefore, it has been classified as a Variant of Uncertain Significance.

NM_024675.4(PALB2):c.440G>T (p.Arg147Ile)

Gene: PALB2 (partner and localizer of BRCA2; minus strand). Cytogenetic location: 16p12.2.
Variant type: single nucleotide variant.
Coding change: c.440G>T on transcript NM_024675.4 (MANE Select); coding-DNA position 440, G replaced by T.
Protein change: p.Arg147Ile; replaces arginine 147 with isoleucine.
Molecular consequence: missense variant. On other transcripts: 5 prime UTR variant (8), intron variant (3).
Genome position (GRCh38, 1-based): chr16:23,636,106, C>A on the plus strand (G>T on the coding strand, the complement: PALB2 is on the minus strand). VCF-style: chr16-23636106-C-A. GRCh37 (hg19) VCF-style: chr16-23647427-C-A.
Other names: c.380G>T, p.Arg127Ile (NM_001407296.1); c.440G>T, p.Arg147Ile (NM_001407297.1, NM_001407298.1, NM_001407299.1 and 3 more transcripts); c.-446G>T (NM_001407304.1, NM_001407305.1, NM_001407306.1 and 5 more transcripts); c.48+5004G>T (NM_001407314.1); c.-105+5004G>T (NM_001407313.1, NM_001407312.1); short protein forms R147I, R127I.
Identifiers: ClinVar variation 3663573 (VCV003663573.2).